The following is an entry in ClinVar:

NM_004211.5(SLC6A5):c.86C>T (p.Pro29Leu)

Gene: SLC6A5 (solute carrier family 6 member 5; plus strand). Cytogenetic location: 11p15.1.
Variant type: single nucleotide variant.
Coding change: c.86C>T on transcript NM_004211.5 (MANE Select); coding-DNA position 86, C replaced by T.
Protein change: p.Pro29Leu; replaces proline 29 with leucine.
Molecular consequence: missense variant. On other transcripts: 5 prime UTR variant (1).
Genome position (GRCh38, 1-based): chr11:20,601,211, C>T. VCF-style: chr11-20601211-C-T. GRCh37 (hg19) VCF-style: chr11-20622757-C-T.
Other names: c.86C>T (NM_004211.3); c.-478C>T (NM_001318369.2); short protein forms P29L.
Identifiers: ClinVar variation 1992137 (VCV001992137.2), dbSNP rs767211408, ClinGen allele CA5920992.

ClinVar aggregate classification (germline): Uncertain significance. Review status: criteria provided, multiple submitters, no conflicts (2 of 4 stars). 2 submissions from 2 submitters: Uncertain significance (2). Last evaluated 2025-02-13.

Conditions:
Hyperekplexia 3 (HKPX3). Also called: HYPEREKPLEXIA 3, AUTOSOMAL RECESSIVE; HYPEREKPLEXIA 3, AUTOSOMAL DOMINANT. Identifiers: Orphanet 3197, MedGen C3553288, MONDO:0013827, OMIM 614618.
Inborn genetic diseases. Identifiers: MedGen C0950123, MeSH D030342.

Allele frequency attached by ClinVar (database versions not stated): TOPMed below 0.00001; gnomAD 0.00001; ExAC 0.00002; gnomAD exomes 0.00002.
gnomAD v4.1: 15 of 1,583,294 alleles (0.00095%); highest among the groups gnomAD compares: Non-Finnish European, 0.001%; no homozygotes.

Submissions (2):

Ambry Genetics
Classification: Uncertain significance for Inborn genetic diseases. Last evaluated: 2025-02-13. Review status: criteria provided, single submitter. Criteria: Ambry Variant Classification Scheme 2023. Collection method: clinical testing. Allele origin: germline.

Labcorp Genetics (formerly Invitae), Labcorp
Classification: Uncertain significance for Hyperekplexia 3. Last evaluated: 2022-03-23. Review status: criteria provided, single submitter. Criteria: Invitae Variant Classification Sherloc (09022015). Collection method: clinical testing. Allele origin: germline.
Comment: This sequence change replaces proline, which is neutral and non-polar, with leucine, which is neutral and non-polar, at codon 29 of the SLC6A5 protein (p.Pro29Leu). The frequency data for this variant in the population databases is considered unreliable, as metrics indicate poor data quality at this position in the gnomAD database. This variant has not been reported in the literature in individuals affected with SLC6A5-related conditions. Advanced modeling of protein sequence and biophysical properties (such as structural, functional, and spatial information, amino acid conservation, physicochemical variation, residue mobility, and thermodynamic stability) performed at Invitae indicates that this missense variant is not expected to disrupt SLC6A5 protein function. In summary, the available evidence is currently insufficient to determine the role of this variant in disease. Therefore, it has been classified as a Variant of Uncertain Significance.